The following is an entry in ClinVar:

NM_080680.3(COL11A2):c.1121_1129dup (p.His376_Gly377insAlaAlaHis)

Gene: COL11A2 (collagen type XI alpha 2 chain; minus strand). Cytogenetic location: 6p21.32.
Variant type: Duplication.
Coding change: c.1121_1129dup on transcript NM_080680.3 (MANE Select); coding-DNA positions 1121 to 1129, 9 bases duplicated (CTGCCCATG; older notation c.1121_1129dupCTGCCCATG).
Protein change: p.His376_Gly377insAlaAlaHis.
Molecular consequence: inframe insertion.
Genome position (GRCh38, 1-based): chr6:33,181,161-33,181,169, CATGGGCAG duplicated on the plus strand (CTGCCCATG on the coding strand, the reverse complement: COL11A2 is on the minus strand); duplicating any 9 consecutive bases within chr6:33,181,161-33,181,170 gives the same sequence; the c. name uses the placement nearest the transcript's 3' end. VCF-style (leftmost placement, unchanged base first): chr6-33181160-C-CCATGGGCAG. GRCh37 (hg19) VCF-style: chr6-33148937-C-CCATGGGCAG.
Other names: c.800_808dup, p.His269_Gly270insAlaAlaHis (NM_080679.3); c.863_871dup, p.His290_Gly291insAlaAlaHis (NM_080681.3).
Identifiers: ClinVar variation 2185697 (VCV002185697.5), dbSNP rs1195548710, ClinGen allele CA449840975.

ClinVar aggregate classification (germline): Uncertain significance. Review status: criteria provided, multiple submitters, no conflicts (2 of 4 stars). 2 submissions from 2 submitters: Uncertain significance (2). Last evaluated 2025-06-15.

Submissions (2):

Labcorp Genetics (formerly Invitae), Labcorp
Classification: Uncertain significance. Last evaluated: 2025-06-15. Review status: criteria provided, single submitter. Criteria: Invitae Variant Classification Sherloc (09022015). Collection method: clinical testing. Allele origin: germline.
Comment: This variant, c.1121_1129dup, results in the insertion of 3 amino acid(s) of the COL11A2 protein (p.Ala374_His376dup), but otherwise preserves the integrity of the reading frame. This variant is not present in population databases (gnomAD no frequency). This variant has not been reported in the literature in individuals affected with COL11A2-related conditions. ClinVar contains an entry for this variant (Variation ID: 2185697). Experimental studies and prediction algorithms are not available or were not evaluated, and the functional significance of this variant is currently unknown. In summary, the available evidence is currently insufficient to determine the role of this variant in disease. Therefore, it has been classified as a Variant of Uncertain Significance.

Blueprint Genetics
Classification: Uncertain significance. Last evaluated: 2022-02-17. Review status: criteria provided, single submitter. Criteria: ACMG Guidelines, 2015. Collection method: clinical testing. Allele origin: germline.